The following is an entry in ClinVar:

ClinVar aggregate classification (germline): Uncertain significance (1 of 4 stars; one submission).

Conditions:
TP63-Related Spectrum Disorders.

Allele frequency attached by ClinVar (database versions not stated): gnomAD exomes below 0.00001; gnomAD 0.00001; TOPMed 0.00002.
gnomAD v4.1: 5 of 1,613,928 alleles (0.00031%); highest among the groups gnomAD compares: African/African-American, 0.0013%; no homozygotes.

Submission:

Labcorp Genetics (formerly Invitae), Labcorp
Classification: Uncertain significance. Last evaluated: 2022-05-15. Review status: criteria provided, single submitter. Criteria: Invitae Variant Classification Sherloc (09022015). Collection method: clinical testing. Allele origin: germline.
Comment: This variant is not present in population databases (gnomAD no frequency). This sequence change replaces isoleucine, which is neutral and non-polar, with valine, which is neutral and non-polar, at codon 321 of the TP63 protein (p.Ile321Val). This variant has not been reported in the literature in individuals affected with TP63-related conditions. Algorithms developed to predict the effect of missense changes on protein structure and function (SIFT, PolyPhen-2, Align-GVGD) all suggest that this variant is likely to be tolerated. In summary, the available evidence is currently insufficient to determine the role of this variant in disease. Therefore, it has been classified as a Variant of Uncertain Significance.

NM_003722.5(TP63):c.961A>G (p.Ile321Val)

Gene: TP63 (tumor protein p63; plus strand). Cytogenetic location: 3q28.
Variant type: single nucleotide variant.
Coding change: c.961A>G on transcript NM_003722.5 (MANE Select); coding-DNA position 961, A replaced by G.
Protein change: p.Ile321Val; replaces isoleucine 321 with valine.
Molecular consequence: missense variant.
Genome position (GRCh38, 1-based): chr3:189,867,911, A>G. VCF-style: chr3-189867911-A-G. GRCh37 (hg19) VCF-style: chr3-189585700-A-G.
Other names: c.961A>G, p.Ile321Val (NM_001114978.2, NM_001114979.2, NM_001329144.2 and 1 more transcripts); c.679A>G, p.Ile227Val (NM_001114980.2, NM_001114981.2, NM_001114982.2 and 2 more transcripts); c.424A>G, p.Ile142Val (NM_001329146.2, NM_001329150.2); c.955A>G, p.Ile319Val (NM_001329964.2); short protein forms I142V, I319V, I321V, I227V.
Identifiers: ClinVar variation 1430868 (VCV001430868.7), dbSNP rs1033329267, ClinGen allele CA89745843.